The following is an entry in ClinVar:

NM_001197104.2(KMT2A):c.5585C>T (p.Pro1862Leu)

Gene: KMT2A (lysine methyltransferase 2A; plus strand). Cytogenetic location: 11q23.3.
Variant type: single nucleotide variant.
Coding change: c.5585C>T on transcript NM_001197104.2 (MANE Select); coding-DNA position 5585, C replaced by T.
Protein change: p.Pro1862Leu; replaces proline 1862 with leucine.
Molecular consequence: missense variant.
Genome position (GRCh38, 1-based): chr11:118,496,288, C>T. VCF-style: chr11-118496288-C-T. GRCh37 (hg19) VCF-style: chr11-118367003-C-T.
Other names: c.5675C>T, p.Pro1892Leu (NM_001412597.1); c.5576C>T, p.Pro1859Leu (NM_005933.4); short protein forms P1859L, P1862L, P1892L.
Identifiers: ClinVar variation 2504472 (VCV002504472.1), dbSNP rs2496947650, ClinGen allele CA382796888.

ClinVar aggregate classification (germline): Uncertain significance (1 of 4 stars; one submission).

Submission:

GeneDx
Classification: Uncertain significance. Last evaluated: 2022-11-30. Review status: criteria provided, single submitter. Criteria: GeneDx Variant Classification Process June 2021. Collection method: clinical testing. Allele origin: germline. Affected: yes.
Comment: Not observed at significant frequency in large population cohorts (gnomAD); In silico analysis supports that this missense variant has a deleterious effect on protein structure/function; Has not been previously published as pathogenic or benign to our knowledge